The following is an entry in ClinVar:

NM_000388.4(CASR):c.416T>C (p.Ile139Thr)

Gene: CASR (calcium sensing receptor; plus strand). Cytogenetic location: 3q21.1.
Variant type: single nucleotide variant.
Coding change: c.416T>C on transcript NM_000388.4 (MANE Select); coding-DNA position 416, T replaced by C.
Protein change: p.Ile139Thr; replaces isoleucine 139 with threonine.
Molecular consequence: missense variant.
Genome position (GRCh38, 1-based): chr3:122,257,311, T>C. VCF-style: chr3-122257311-T-C. GRCh37 (hg19) VCF-style: chr3-121976158-T-C.
Other names: c.416T>C, p.Ile139Thr (NM_001178065.2); short protein forms I139T.
Identifiers: ClinVar variation 410357 (VCV000410357.14), dbSNP rs1060502860, ClinGen allele CA16611180.

ClinVar aggregate classification (germline): Uncertain significance. Review status: criteria provided, multiple submitters, no conflicts (2 of 4 stars). 3 submissions from 3 submitters: Uncertain significance (2). 1 of the submissions does not count toward it. Last evaluated 2021-04-14.

Conditions:
Autosomal dominant hypocalcemia 1 (HYPOC1). Also called: HYPOCALCEMIA, FAMILIAL. Identifiers: MedGen C3715128, MONDO:0011013, OMIM 601198.
Familial hypocalciuric hypercalcemia (FHH). Also called: Familial benign hypercalcemia. Identifiers: Orphanet 405, MedGen C1809471, MONDO:0018458.
Neonatal severe primary hyperparathyroidism. Identifiers: Orphanet 417, MedGen C1832615, MONDO:0009397, OMIM 239200.

Submissions (3):

Labcorp Genetics (formerly Invitae), Labcorp
Classification: Uncertain significance for Familial hypocalciuric hypercalcemia; Autosomal dominant hypocalcemia 1. Last evaluated: 2021-04-14. Review status: criteria provided, single submitter. Criteria: Invitae Variant Classification Sherloc (09022015). Collection method: clinical testing. Allele origin: germline.
Comment: In summary, the available evidence is currently insufficient to determine the role of this variant in disease. Therefore, it has been classified as a Variant of Uncertain Significance. Algorithms developed to predict the effect of missense changes on protein structure and function (SIFT, PolyPhen-2, Align-GVGD) all suggest that this variant is likely to be disruptive, but these predictions have not been confirmed by published functional studies and their clinical significance is uncertain. This variant has been observed in individual(s) with hypoparathyroidism (PMID: 31433868). This variant is not present in population databases (ExAC no frequency). This sequence change replaces isoleucine with threonine at codon 139 of the CASR protein (p.Ile139Thr). The isoleucine residue is highly conserved and there is a moderate physicochemical difference between isoleucine and threonine.

Molecular Diagnostics Lab, Nemours Children's Health, Delaware
Classification: Uncertain significance. Last evaluated: 2015-12-30. Review status: criteria provided, single submitter. Criteria: ACMG Guidelines, 2015. Collection method: clinical testing. Allele origin: unknown. Affected: yes. Observed: 1 heterozygote.

Genomics England Pilot Project, Genomics England
Classification: Likely pathogenic for Neonatal severe primary hyperparathyroidism. Review status: no assertion criteria provided. Criteria: ACGS Guidelines, 2016. Collection method: clinical testing. Allele origin: germline. Affected: yes. Not counted in ClinVar's aggregate classification.

Literature cited by the submitters: PubMed 31433868 (cited by Labcorp Genetics (formerly Invitae), Labcorp).